The following is an entry in ClinVar:

NM_000245.4(MET):c.2285G>C (p.Gly762Ala)

Gene: MET (MET proto-oncogene, receptor tyrosine kinase; plus strand). Cytogenetic location: 7q31.2.
Variant type: single nucleotide variant.
Coding change: c.2285G>C on transcript NM_000245.4 (MANE Select); coding-DNA position 2285, G replaced by C.
Protein change: p.Gly762Ala; replaces glycine 762 with alanine.
Molecular consequence: missense variant.
Genome position (GRCh38, 1-based): chr7:116,759,411, G>C. VCF-style: chr7-116759411-G-C. GRCh37 (hg19) VCF-style: chr7-116399465-G-C.
Other names: c.2339G>C, p.Gly780Ala (NM_001127500.3); c.2285G>C, p.Gly762Ala (NM_001324401.3); c.995G>C, p.Gly332Ala (NM_001324402.2); short protein forms G780A, G332A, G762A.
Identifiers: ClinVar variation 411914 (VCV000411914.10), dbSNP rs1060503541, ClinGen allele CA16612152.

ClinVar aggregate classification (germline): Uncertain significance (1 of 4 stars; one submission).

Conditions:
Renal cell carcinoma. Identifiers: Orphanet 217071, MedGen C0007134, MeSH D002292, MONDO:0005086, HP:0005584.

Submission:

Labcorp Genetics (formerly Invitae), Labcorp
Classification: Uncertain significance for Renal cell carcinoma. Last evaluated: 2016-05-31. Review status: criteria provided, single submitter. Criteria: Invitae Variant Classification Sherloc (09022015). Collection method: clinical testing. Allele origin: germline.
Comment: Algorithms developed to predict the effect of missense changes on protein structure and function output the following: (SIFT: "Tolerated"; PolyPhen-2: "Benign"; Align-GVGD: "Class C0"). The alanine amino acid residue is also found in multiple mammalian species, suggesting that this missense change does not adversely affect protein function. These predictions have not been confirmed by published functional studies. This variant is not present in population databases (ExAC no frequency) and has not been reported in the literature in individuals with a MET-related disease. This sequence change replaces glycine with alanine at codon 780 of the MET protein (p.Gly780Ala). The glycine residue is weakly conserved and there is a small physicochemical difference between glycine and alanine. In summary, this variant is a novel missense change that is not predicted to affect protein function. There is no indication that it causes disease, but the available evidence is currently insufficient to prove that conclusively. Therefore, it has been classified as a Variant of Uncertain Significance.